The following is an entry in ClinVar:

ClinVar aggregate classification (germline): Uncertain significance (1 of 4 stars; one submission).

Conditions:
Neuroblastoma, susceptibility to, 3. Also called: ALK-Related Neuroblastic Tumor Susceptibility. Identifiers: Orphanet 635, MedGen C2751681, MONDO:0013083, OMIM 613014.

Submission:

Labcorp Genetics (formerly Invitae), Labcorp
Classification: Uncertain significance for Neuroblastoma, susceptibility to, 3. Last evaluated: 2017-07-19. Review status: criteria provided, single submitter. Criteria: Invitae Variant Classification Sherloc (09022015). Collection method: clinical testing. Allele origin: germline.
Comment: Algorithms developed to predict the effect of sequence changes on RNA splicing suggest that this variant may create or strengthen a splice site, but this prediction has not been confirmed by published transcriptional studies. In summary, the available evidence is currently insufficient to determine the role of this variant in disease. Therefore, it has been classified as a Variant of Uncertain Significance. Algorithms developed to predict the effect of missense changes on protein structure and function (SIFT, PolyPhen-2, Align-GVGD) all suggest that this variant is likely to be disruptive, but these predictions have not been confirmed by published functional studies and their clinical significance is uncertain. This variant has not been reported in the literature in individuals with ALK-related disease. This variant is not present in population databases (ExAC no frequency). This sequence change replaces threonine with alanine at codon 1310 of the ALK protein (p.Thr1310Ala). The threonine residue is highly conserved and there is a small physicochemical difference between threonine and alanine.

NM_004304.5(ALK):c.3928A>G (p.Thr1310Ala)

Gene: ALK (ALK receptor tyrosine kinase; minus strand). Cytogenetic location: 2p23.2.
Variant type: single nucleotide variant.
Coding change: c.3928A>G on transcript NM_004304.5 (MANE Select); coding-DNA position 3928, A replaced by G.
Protein change: p.Thr1310Ala; replaces threonine 1310 with alanine.
Molecular consequence: missense variant.
Genome position (GRCh38, 1-based): chr2:29,207,181, T>C on the plus strand (A>G on the coding strand, the complement: ALK is on the minus strand). VCF-style: chr2-29207181-T-C. GRCh37 (hg19) VCF-style: chr2-29430047-T-C.
Other names: c.724A>G, p.Thr242Ala (NM_001353765.2); short protein forms T1310A, T242A.
Identifiers: ClinVar variation 470855 (VCV000470855.8), dbSNP rs1553390742, ClinGen allele CA346468481.
Genomic context (GRCh38, chr2:29,207,181, plus strand): 5'-AGCACCACCTTATGGCTGCAGGGATACCTGGAGGATGATGGCTGACTTACCATGTGTCTG[T>C]TTTAGAAGTGAATATTCCTTCCATGAAGGCCTCTGGGGGCATCCACTTAACTGGCAGCAT-3'
Protein context (NP_004295.2, residues 1300-1320): AFMEGIFTSK[Thr1310Ala]DTWSFGVLLW